The following is an entry in ClinVar:

NM_015721.3(GEMIN4):c.921dup (p.Leu308fs)

Gene: GEMIN4 (gem nuclear organelle associated protein 4; minus strand). Cytogenetic location: 17p13.3.
Variant type: Duplication.
Coding change: c.921dup on transcript NM_015721.3 (MANE Select); coding-DNA position 921, one base duplicated (A; older notation c.921dupA).
Protein change: p.Leu308fs; shifts the reading frame from leucine 308.
Molecular consequence: frameshift variant.
Genome position (GRCh38, 1-based): chr17:747,122, T duplicated on the plus strand (A on the coding strand, the reverse complement: GEMIN4 is on the minus strand); the first of 3 consecutive T bases (chr17:747,122-747,124); duplicating any one gives the same sequence. VCF-style (leftmost placement, unchanged base first): chr17-747121-G-GT. GRCh37 (hg19) VCF-style: chr17-650361-G-GT.
Other names: short protein forms L308fs.
Identifiers: ClinVar variation 2817494 (VCV002817494.3), dbSNP rs2544545018, ClinGen allele CA2739266992.

ClinVar aggregate classification (germline): Uncertain significance (1 of 4 stars; one submission).

Submission:

Labcorp Genetics (formerly Invitae), Labcorp
Classification: Uncertain significance. Last evaluated: 2022-11-29. Review status: criteria provided, single submitter. Criteria: Invitae Variant Classification Sherloc (09022015). Collection method: clinical testing. Allele origin: germline.
Comment: In summary, the available evidence is currently insufficient to determine the role of this variant in disease. Therefore, it has been classified as a Variant of Uncertain Significance. Experimental studies and prediction algorithms are not available or were not evaluated, and the functional significance of this variant is currently unknown. This variant has not been reported in the literature in individuals affected with GEMIN4-related conditions. This variant is not present in population databases (gnomAD no frequency). This sequence change creates a premature translational stop signal (p.Leu308Thrfs*4) in the GEMIN4 gene. While this is not anticipated to result in nonsense mediated decay, it is expected to disrupt the last 751 amino acid(s) of the GEMIN4 protein.